The following is an entry in ClinVar:

ClinVar aggregate classification (germline): Likely benign (0 of 4 stars; one submission).

Conditions:
MAP1A-related disorder. Also called: MAP1A-related condition.

Allele frequency attached by ClinVar (database versions not stated): ExAC 0.00036; ESP Exome Variant Server 0.00107; gnomAD 0.00119; 1000 Genomes Project 0.00140; TOPMed 0.00142; 1000 Genomes Project 30x 0.00187.

Submission:

PreventionGenetics, part of Exact Sciences
Classification: Likely benign for MAP1A-related condition. Last evaluated: 2022-05-09. Review status: no assertion criteria provided. Collection method: clinical testing. Allele origin: germline.
Comment: This variant is classified as likely benign based on ACMG/AMP sequence variant interpretation guidelines (Richards et al. 2015 PMID: 25741868, with internal and published modifications).

NM_002373.6(MAP1A):c.7110A>G (p.Pro2370=)

Gene: MAP1A (microtubule associated protein 1A; plus strand). Cytogenetic location: 15q15.3.
Variant type: single nucleotide variant.
Coding change: c.7110A>G on transcript NM_002373.6 (MANE Select); coding-DNA position 7110, A replaced by G.
Protein change: p.Pro2370=; no amino-acid change (proline 2370 retained).
Molecular consequence: synonymous variant.
Genome position (GRCh38, 1-based): chr15:43,528,583, A>G. VCF-style: chr15-43528583-A-G. GRCh37 (hg19) VCF-style: chr15-43820781-A-G.
Other names: c.7824A>G, p.Pro2608= (NM_001411089.1).
Identifiers: ClinVar variation 3045041 (VCV003045041.2), dbSNP rs201578334, ClinGen allele CA7527005.